The following is an entry in ClinVar:

ClinVar aggregate classification (germline): Uncertain significance (1 of 4 stars; one submission).

gnomAD v4.1: 1 of 1,612,630 alleles (0.000062%); highest among the groups gnomAD compares: East Asian, 0.0022%; no homozygotes.

Submission:

GeneDx
Classification: Uncertain significance. Last evaluated: 2026-02-06. Review status: criteria provided, single submitter. Criteria: GeneDx Variant Classification Process June 2021. Collection method: clinical testing. Allele origin: germline.
Comment: Not observed at significant frequency in large population cohorts (gnomAD); In silico analysis suggests that this missense variant does not alter protein structure/function; Has not been previously published as pathogenic or benign to our knowledge

NM_000744.7(CHRNA4):c.1126C>A (p.His376Asn)

Gene: CHRNA4 (cholinergic receptor nicotinic alpha 4 subunit; minus strand). Cytogenetic location: 20q13.33.
Variant type: single nucleotide variant.
Coding change: c.1126C>A on transcript NM_000744.7 (MANE Select); coding-DNA position 1126, C replaced by A.
Protein change: p.His376Asn; replaces histidine 376 with asparagine.
Molecular consequence: missense variant. On other transcripts: non-coding transcript variant (1).
Genome position (GRCh38, 1-based): chr20:63,350,285, G>T on the plus strand (C>A on the coding strand, the complement: CHRNA4 is on the minus strand). VCF-style: chr20-63350285-G-T. GRCh37 (hg19) VCF-style: chr20-61981637-G-T.
Other names: c.598C>A, p.His200Asn (NM_001256573.2); short protein forms H200N, H376N.
Identifiers: ClinVar variation 4975881 (VCV004975881.1).
Genomic context (GRCh38, chr20:63,350,285, plus strand): 5'-TCGTGGCAGGGGGCTCCCCTTCTGGCTCGGGCCAGAAGCGCGGGGCACTGGCCATCTTAT[G>T]CATGGACTCGATGAGCCGCCGGCAATTGTCCTTGACCACGGACGGCCGCTTCATGAGGAG-3'
Protein context (NP_000735.1, residues 366-386): DNCRRLIESM[His376Asn]KMASAPRFWP